The following is an entry in ClinVar:

NM_000213.5(ITGB4):c.2963-1G>A

Gene: ITGB4 (integrin subunit beta 4; plus strand). Cytogenetic location: 17q25.1.
Variant type: single nucleotide variant.
Coding change: c.2963-1G>A on transcript NM_000213.5 (MANE Select); the canonical splice acceptor site of the intron before coding-DNA position 2963, G replaced by A.
Molecular consequence: splice acceptor variant.
Genome position (GRCh38, 1-based): chr17:75,743,712, G>A. VCF-style: chr17-75743712-G-A. GRCh37 (hg19) VCF-style: chr17-73739793-G-A.
Other names: c.2963-1G>A (NM_001005619.2, NM_001005731.3, NM_001438834.1 and 1 more transcripts).
Identifiers: ClinVar variation 2859491 (VCV002859491.3), dbSNP rs2061168979, ClinGen allele CA401070578.

ClinVar aggregate classification (germline): Likely pathogenic (1 of 4 stars; one submission).

Allele frequency attached by ClinVar (database versions not stated): gnomAD exomes below 0.00001; TOPMed below 0.00001.

Submission:

Labcorp Genetics (formerly Invitae), Labcorp
Classification: Likely pathogenic. Last evaluated: 2023-04-26. Review status: criteria provided, single submitter. Criteria: Invitae Variant Classification Sherloc (09022015). Collection method: clinical testing. Allele origin: germline.
Comment: Algorithms developed to predict the effect of sequence changes on RNA splicing suggest that this variant may disrupt the consensus splice site. This variant has not been reported in the literature in individuals affected with ITGB4-related conditions. This variant is not present in population databases (gnomAD no frequency). This sequence change affects an acceptor splice site in intron 25 of the ITGB4 gene. It is expected to disrupt RNA splicing. Variants that disrupt the donor or acceptor splice site typically lead to a loss of protein function (PMID: 16199547), and loss-of-function variants in ITGB4 are known to be pathogenic (PMID: 11328943, 16473856). In summary, the currently available evidence indicates that the variant is pathogenic, but additional data are needed to prove that conclusively. Therefore, this variant has been classified as Likely Pathogenic.

Literature cited by the submitters: PubMed 16199547; PubMed 11328943; PubMed 16473856.